The following is an entry in ClinVar:

ClinVar aggregate classification (germline): Benign. Review status: criteria provided, multiple submitters, no conflicts (2 of 4 stars). 2 submissions from 2 submitters: Benign (2). Last evaluated 2018-06-14.

Allele frequency attached by ClinVar (database versions not stated): gnomAD 0.01576 and 0.01694; 1000 Genomes Project 30x 0.02139; TOPMed 0.01776; 1000 Genomes Project 0.01977.

Submissions (2):

GeneDx
Classification: Benign. Last evaluated: 2018-06-14. Review status: criteria provided, single submitter. Criteria: GeneDx Variant Classification (06012015). Collection method: clinical testing. Allele origin: germline. Affected: yes.
Comment: This variant is considered likely benign or benign based on one or more of the following criteria: it is a conservative change, it occurs at a poorly conserved position in the protein, it is predicted to be benign by multiple in silico algorithms, and/or has population frequency not consistent with disease.

Breakthrough Genomics
Classification: Benign. Review status: criteria provided, single submitter. Criteria: ACMG Guidelines, 2015. Collection method: not provided. Allele origin: germline. Inheritance: Autosomal recessive inheritance. Affected: yes.

NM_016941.3(DLL3):c.-195C>A

Gene: DLL3 (delta like canonical Notch ligand 3; plus strand). Cytogenetic location: 19q13.2.
Variant type: single nucleotide variant.
Coding change: c.-195C>A on transcript NM_016941.3; 195 bases upstream of the start codon, C replaced by A.
Genome position (GRCh38, 1-based): chr19:39,498,780, C>A. VCF-style: chr19-39498780-C-A. GRCh37 (hg19) VCF-style: chr19-39989420-C-A.
Identifiers: ClinVar variation 672988 (VCV000672988.4), dbSNP rs73930737, ClinGen allele CA308248530.